The following is an entry in ClinVar:

NM_012282.4(KCNE5):c.335A>C (p.Asp112Ala)

Gene: KCNE5 (potassium voltage-gated channel subfamily E regulatory subunit 5; minus strand). Cytogenetic location: Xq23.
Variant type: single nucleotide variant.
Coding change: c.335A>C on transcript NM_012282.4 (MANE Select); coding-DNA position 335, A replaced by C.
Protein change: p.Asp112Ala; replaces aspartic acid 112 with alanine.
Molecular consequence: missense variant.
Genome position (GRCh38, 1-based): chrX:109,624,686, T>G on the plus strand (A>C on the coding strand, the complement: KCNE5 is on the minus strand). VCF-style: chrX-109624686-T-G. GRCh37 (hg19) VCF-style: chrX-108867915-T-G.
Other names: short protein forms D112A.
Identifiers: ClinVar variation 4807700 (VCV004807700.1).

ClinVar aggregate classification (germline): Uncertain significance (1 of 4 stars; one submission).

Conditions:
Brugada syndrome. Also called: Sudden unexpected nocturnal death syndrome; Sudden unexplained nocturnal death syndrome; Sudden Unexplained Death Syndrome; Sudden Unexplained Nocturnal Death Syndrome (SUNDS). Identifiers: Orphanet 130, MedGen C1142166, MONDO:0015263.

Submission:

Labcorp Genetics (formerly Invitae), Labcorp
Classification: Uncertain significance for Brugada syndrome. Last evaluated: 2025-02-17. Review status: criteria provided, single submitter. Criteria: Invitae Variant Classification Sherloc (09022015). Collection method: clinical testing. Allele origin: germline.
Comment: This sequence change replaces aspartic acid, which is acidic and polar, with alanine, which is neutral and non-polar, at codon 112 of the KCNE5 protein (p.Asp112Ala). This variant is present in population databases (rs763339959, gnomAD 0.02%). This variant has not been reported in the literature in individuals affected with KCNE5-related conditions. An algorithm developed to predict the effect of missense changes on protein structure and function (PolyPhen-2) suggests that this variant is likely to be tolerated. In summary, the available evidence is currently insufficient to determine the role of this variant in disease. Therefore, it has been classified as a Variant of Uncertain Significance.